The following is an entry in ClinVar:

ClinVar aggregate classification (germline): Conflicting classifications of pathogenicity. Review status: criteria provided, conflicting classifications (1 of 4 stars). 5 submissions from 5 submitters: Uncertain significance (1); Benign (1); Likely benign (3). Last evaluated 2025-12-03.

Conditions:
Emery-Dreifuss muscular dystrophy 5, autosomal dominant (EDMD5). Also called: EMERY-DREIFUSS MUSCULAR DYSTROPHY 5. Identifiers: Orphanet 261, MedGen C2751805, MONDO:0013072, OMIM 612999.

Allele frequency attached by ClinVar (database versions not stated): TOPMed 0.00034; gnomAD 0.00038; ESP Exome Variant Server 0.00042.
gnomAD v4.1: 923 of 1,613,906 alleles (0.057%); highest among the groups gnomAD compares: Non-Finnish European, 0.075%; 2 homozygotes.

Submissions (5):

Labcorp Genetics (formerly Invitae), Labcorp
Classification: Likely benign for Emery-Dreifuss muscular dystrophy 5, autosomal dominant. Last evaluated: 2025-12-03. Review status: criteria provided, single submitter. Criteria: Invitae Variant Classification Sherloc (09022015). Collection method: clinical testing. Allele origin: germline.

Revvity Omics, Revvity
Classification: Likely benign for Emery-Dreifuss muscular dystrophy 5, autosomal dominant. Last evaluated: 2024-12-26. Review status: criteria provided, single submitter. Criteria: ACMG Guidelines, 2015. Collection method: clinical testing. Allele origin: germline.

Blueprint Genetics
Classification: Likely benign. Last evaluated: 2024-09-14. Review status: criteria provided, single submitter. Criteria: ACMG Guidelines, 2015. Collection method: clinical testing. Allele origin: germline.

Athena Diagnostics
Classification: Uncertain significance. Last evaluated: 2020-12-08. Review status: criteria provided, single submitter. Criteria: Athena Diagnostics criteria. Collection method: clinical testing. Allele origin: unknown.

Illumina Laboratory Services, Illumina
Classification: Benign for Emery-Dreifuss muscular dystrophy 5, autosomal dominant. Last evaluated: 2018-01-13. Review status: criteria provided, single submitter. Criteria: ICSL Variant Classification Criteria 13 December 2019. Collection method: clinical testing. Allele origin: germline.
Comment: This variant was observed in the ICSL laboratory as part of a predisposition screen in an ostensibly healthy population. It had not been previously curated by ICSL or reported in the Human Gene Mutation Database (HGMD: prior to June 1st, 2018), and was therefore a candidate for classification through an automated scoring system. Utilizing variant allele frequency, disease prevalence and penetrance estimates, and inheritance mode, an automated score was calculated to assess if this variant is too frequent to cause the disease. Based on the score and internal cut-off values, a variant classified as benign is not then subjected to further curation. The score for this variant resulted in a classification of benign for this disease.

NM_182914.3(SYNE2):c.6511C>G (p.Leu2171Val)

Gene: SYNE2 (spectrin repeat containing nuclear envelope protein 2; plus strand). Cytogenetic location: 14q23.2.
Variant type: single nucleotide variant.
Coding change: c.6511C>G on transcript NM_182914.3 (MANE Select); coding-DNA position 6511, C replaced by G.
Protein change: p.Leu2171Val; replaces leucine 2171 with valine.
Molecular consequence: missense variant.
Genome position (GRCh38, 1-based): chr14:64,027,590, C>G. VCF-style: chr14-64027590-C-G. GRCh37 (hg19) VCF-style: chr14-64494308-C-G.
Other names: c.6511C>G, p.Leu2171Val (NM_015180.6); short protein forms L2171V.
Identifiers: ClinVar variation 313524 (VCV000313524.21), dbSNP rs199743242, ClinGen allele CA7220715.